The following is an entry in ClinVar:

NM_001142800.2(EYS):c.3881C>T (p.Pro1294Leu)

Gene: EYS (EGF-like photoreceptor maintenance factor; minus strand). Cytogenetic location: 6q12.
Variant type: single nucleotide variant.
Coding change: c.3881C>T on transcript NM_001142800.2 (MANE Select); coding-DNA position 3881, C replaced by T.
Protein change: p.Pro1294Leu; replaces proline 1294 with leucine.
Molecular consequence: missense variant.
Genome position (GRCh38, 1-based): chr6:64,591,986, G>A on the plus strand (C>T on the coding strand, the complement: EYS is on the minus strand). VCF-style: chr6-64591986-G-A. GRCh37 (hg19) VCF-style: chr6-65301879-G-A.
Other names: c.3881C>T, p.Pro1294Leu (NM_001292009.2); short protein forms P1294L.
Identifiers: ClinVar variation 2155705 (VCV002155705.4), dbSNP rs1766427707, ClinGen allele CA364784513.

ClinVar aggregate classification (germline): Uncertain significance (1 of 4 stars; one submission).

Submission:

Labcorp Genetics (formerly Invitae), Labcorp
Classification: Uncertain significance. Last evaluated: 2022-06-27. Review status: criteria provided, single submitter. Criteria: Invitae Variant Classification Sherloc (09022015). Collection method: clinical testing. Allele origin: germline.
Comment: In summary, the available evidence is currently insufficient to determine the role of this variant in disease. Therefore, it has been classified as a Variant of Uncertain Significance. Algorithms developed to predict the effect of missense changes on protein structure and function output the following: SIFT: "Tolerated"; PolyPhen-2: "Benign"; Align-GVGD: "Class C0". The leucine amino acid residue is found in multiple mammalian species, which suggests that this missense change does not adversely affect protein function. This variant has not been reported in the literature in individuals affected with EYS-related conditions. This variant is not present in population databases (gnomAD no frequency). This sequence change replaces proline, which is neutral and non-polar, with leucine, which is neutral and non-polar, at codon 1294 of the EYS protein (p.Pro1294Leu).